The following is an entry in ClinVar:

NM_001013838.3(CARMIL2):c.2957C>T (p.Pro986Leu)

Gene: CARMIL2 (capping protein regulator and myosin 1 linker 2; plus strand). Cytogenetic location: 16q22.1.
Variant type: single nucleotide variant.
Coding change: c.2957C>T on transcript NM_001013838.3 (MANE Select); coding-DNA position 2957, C replaced by T.
Protein change: p.Pro986Leu; replaces proline 986 with leucine.
Molecular consequence: missense variant.
Genome position (GRCh38, 1-based): chr16:67,653,091, C>T. VCF-style: chr16-67653091-C-T. GRCh37 (hg19) VCF-style: chr16-67686994-C-T.
Other names: c.2849C>T, p.Pro950Leu (NM_001317026.3); short protein forms P950L, P986L.
Identifiers: ClinVar variation 1349006 (VCV001349006.5), dbSNP rs1337358999, ClinGen allele CA396342854.

ClinVar aggregate classification (germline): Uncertain significance (1 of 4 stars; one submission).

Allele frequency attached by ClinVar (database versions not stated): TOPMed 0.00002; gnomAD 0.00003.

Submission:

Labcorp Genetics (formerly Invitae), Labcorp
Classification: Uncertain significance. Last evaluated: 2024-10-08. Review status: criteria provided, single submitter. Criteria: Invitae Variant Classification Sherloc (09022015). Collection method: clinical testing. Allele origin: germline.
Comment: This sequence change replaces proline, which is neutral and non-polar, with leucine, which is neutral and non-polar, at codon 986 of the CARMIL2 protein (p.Pro986Leu). This variant is present in population databases (no rsID available, gnomAD 0.007%). This variant has not been reported in the literature in individuals affected with CARMIL2-related conditions. ClinVar contains an entry for this variant (Variation ID: 1349006). Invitae Evidence Modeling of protein sequence and biophysical properties (such as structural, functional, and spatial information, amino acid conservation, physicochemical variation, residue mobility, and thermodynamic stability) indicates that this missense variant is not expected to disrupt CARMIL2 protein function with a negative predictive value of 80%. In summary, the available evidence is currently insufficient to determine the role of this variant in disease. Therefore, it has been classified as a Variant of Uncertain Significance.